The following is an entry in ClinVar:

ClinVar aggregate classification (germline): Uncertain significance. Review status: criteria provided, multiple submitters, no conflicts (2 of 4 stars). 2 submissions from 2 submitters: Uncertain significance (2). Last evaluated 2025-11-24.

Conditions:
Hereditary cancer-predisposing syndrome. Also called: Hereditary neoplastic syndrome; Tumor predisposition; Neoplastic Syndromes, Hereditary; Hereditary Cancer Syndrome. Identifiers: Orphanet 140162, MedGen C0027672, MeSH D009386, MONDO:0015356.
Cardiovascular phenotype. Identifiers: MedGen CN230736.
Neurofibromatosis, type 1 (NF1). Also called: Neurofibromatosis, type I; VON RECKLINGHAUSEN DISEASE; Peripheral type neurofibromatosis; NEUROFIBROMATOSIS, TYPE I, SOMATIC. Identifiers: Orphanet 636, MedGen C0027831, MONDO:0018975, OMIM 162200. Disease mechanism: loss of function.

Submissions (2):

Ambry Genetics
Classification: Uncertain significance for Cardiovascular phenotype; Hereditary cancer-predisposing syndrome. Last evaluated: 2025-11-24. Review status: criteria provided, single submitter. Criteria: Ambry Variant Classification Scheme 2023. Collection method: clinical testing. Allele origin: germline.
Comment: The p.L2647M variant (also known as c.7939C>A), located in coding exon 54 of the NF1 gene, results from a C to A substitution at nucleotide position 7939. The leucine at codon 2647 is replaced by methionine, an amino acid with highly similar properties. This amino acid position is conserved. In addition, this alteration is predicted to be tolerated by in silico analysis. Based on the available evidence, the clinical significance of this variant remains unclear.

Labcorp Genetics (formerly Invitae), Labcorp
Classification: Uncertain significance for Neurofibromatosis, type 1. Last evaluated: 2024-07-20. Review status: criteria provided, single submitter. Criteria: Invitae Variant Classification Sherloc (09022015). Collection method: clinical testing. Allele origin: germline.
Comment: This sequence change replaces leucine, which is neutral and non-polar, with methionine, which is neutral and non-polar, at codon 2647 of the NF1 protein (p.Leu2647Met). This variant is not present in population databases (gnomAD no frequency). This variant has not been reported in the literature in individuals affected with NF1-related conditions. ClinVar contains an entry for this variant (Variation ID: 856676). Advanced modeling of protein sequence and biophysical properties (such as structural, functional, and spatial information, amino acid conservation, physicochemical variation, residue mobility, and thermodynamic stability) performed at Invitae indicates that this missense variant is not expected to disrupt NF1 protein function with a negative predictive value of 95%. In summary, the available evidence is currently insufficient to determine the role of this variant in disease. Therefore, it has been classified as a Variant of Uncertain Significance.

NM_001042492.3(NF1):c.8002C>A (p.Leu2668Met)

Gene: NF1 (neurofibromin 1; plus strand). Cytogenetic location: 17q11.2.
Variant type: single nucleotide variant.
Coding change: c.8002C>A on transcript NM_001042492.3 (MANE Select); coding-DNA position 8002, C replaced by A.
Protein change: p.Leu2668Met; replaces leucine 2668 with methionine.
Molecular consequence: missense variant.
Genome position (GRCh38, 1-based): chr17:31,358,511, C>A. VCF-style: chr17-31358511-C-A. GRCh37 (hg19) VCF-style: chr17-29685529-C-A.
Other names: c.7939C>A, p.Leu2647Met (NM_000267.4); short protein forms L2668M, L2647M.
Identifiers: ClinVar variation 856676 (VCV000856676.7), dbSNP rs1060503905, ClinGen allele CA399203650.